The following is an entry in ClinVar:

ClinVar aggregate classification (germline): Uncertain significance. Review status: criteria provided, multiple submitters, no conflicts (2 of 4 stars). 2 submissions from 2 submitters: Uncertain significance (2). Last evaluated 2024-04-12.

Allele frequency attached by ClinVar (database versions not stated): ExAC 0.00001; gnomAD 0.00001; TOPMed 0.00001; gnomAD exomes 0.00003; 1000 Genomes Project 30x 0.00016.

Submissions (2):

Labcorp Genetics (formerly Invitae), Labcorp
Classification: Uncertain significance. Last evaluated: 2024-04-12. Review status: criteria provided, single submitter. Criteria: Invitae Variant Classification Sherloc (09022015). Collection method: clinical testing. Allele origin: germline.
Comment: This sequence change replaces methionine, which is neutral and non-polar, with valine, which is neutral and non-polar, at codon 1730 of the ITPR1 protein (p.Met1730Val). This variant is present in population databases (rs770686847, gnomAD 0.006%). This variant has not been reported in the literature in individuals affected with ITPR1-related conditions. ClinVar contains an entry for this variant (Variation ID: 1800854). Advanced modeling of protein sequence and biophysical properties (such as structural, functional, and spatial information, amino acid conservation, physicochemical variation, residue mobility, and thermodynamic stability) performed at Invitae indicates that this missense variant is not expected to disrupt ITPR1 protein function with a negative predictive value of 95%. In summary, the available evidence is currently insufficient to determine the role of this variant in disease. Therefore, it has been classified as a Variant of Uncertain Significance.

GeneDx
Classification: Uncertain significance. Last evaluated: 2022-05-26. Review status: criteria provided, single submitter. Criteria: GeneDx Variant Classification Process June 2021. Collection method: clinical testing. Allele origin: germline. Affected: yes.
Comment: In silico analysis supports that this missense variant does not alter protein structure/function; Has not been previously published as pathogenic or benign to our knowledge

NM_001378452.1(ITPR1):c.5377A>G (p.Met1793Val)

Gene: ITPR1 (inositol 1,4,5-trisphosphate receptor type 1; plus strand). Cytogenetic location: 3p26.1.
Variant type: single nucleotide variant.
Coding change: c.5377A>G on transcript NM_001378452.1 (MANE Select); coding-DNA position 5377, A replaced by G.
Protein change: p.Met1793Val; replaces methionine 1793 with valine.
Molecular consequence: missense variant.
Genome position (GRCh38, 1-based): chr3:4,735,187, A>G. VCF-style: chr3-4735187-A-G. GRCh37 (hg19) VCF-style: chr3-4776871-A-G.
Other names: c.5233A>G, p.Met1745Val (NM_001099952.4); c.5332A>G, p.Met1778Val (NM_001168272.2); c.5188A>G, p.Met1730Val (NM_002222.7); short protein forms M1730V, M1745V, M1778V, M1793V.
Identifiers: ClinVar variation 1800854 (VCV001800854.3), dbSNP rs770686847, ClinGen allele CA2232327.